The following is an entry in ClinVar:

GRCh38/hg38 19q13.32(chr19:45481858-45710518)x1

Genes: EML2 (EMAP like 2; minus strand), EML2-AS1 (EML2 antisense RNA 1; plus strand), GIPR (gastric inhibitory polypeptide receptor; plus strand), GPR4 (G protein-coupled receptor 4; minus strand), MIR330 (microRNA 330; minus strand) and 33 more. Cytogenetic location: 19q13.32.
Variant type: copy number loss.
Change: copy number 1 (one copy instead of two) of chr19:45,481,858-45,710,518 (228.7 kb, GRCh38 coordinates, 1-based), cytogenetic band 19q13.32.
Identifiers: ClinVar variation 58342 (VCV000058342.1).

ClinVar aggregate classification (germline): Uncertain significance (1 of 4 stars; one submission).

Submission:

ISCA site 14
Classification: Uncertain significance. Last evaluated: 2011-08-12. Review status: criteria provided, single submitter. Criteria: Kaminsky et al. (Genet Med. 2011). Collection method: clinical testing. Allele origin: unknown. Affected: yes. Observed: 1 variant allele.
Comment: Copy number variation identified through the course of routine clinical cytogenomic testing in postnatal populations. Clinical assertions have been curated as described in Kaminsky et al. 2011.